The following is an entry in ClinVar:

NM_016148.5(SHANK1):c.880C>A (p.Pro294Thr)

Gene: SHANK1 (SH3 and multiple ankyrin repeat domains 1; minus strand). Cytogenetic location: 19q13.33.
Variant type: single nucleotide variant.
Coding change: c.880C>A on transcript NM_016148.5 (MANE Select); coding-DNA position 880, C replaced by A.
Protein change: p.Pro294Thr; replaces proline 294 with threonine.
Molecular consequence: missense variant.
Genome position (GRCh38, 1-based): chr19:50,712,027, G>T on the plus strand (C>A on the coding strand, the complement: SHANK1 is on the minus strand). VCF-style: chr19-50712027-G-T. GRCh37 (hg19) VCF-style: chr19-51215284-G-T.
Other names: short protein forms P294T.
Identifiers: ClinVar variation 3369887 (VCV003369887.1).

ClinVar aggregate classification (germline): Uncertain significance (1 of 4 stars; one submission).

gnomAD v4.1: 1 of 1,613,866 alleles (0.000062%); highest among the groups gnomAD compares: African/African-American, 0.0013%; no homozygotes.

Submission:

GeneDx
Classification: Uncertain significance. Last evaluated: 2024-03-01. Review status: criteria provided, single submitter. Criteria: GeneDx Variant Classification Process June 2021. Collection method: clinical testing. Allele origin: germline. Affected: yes.
Comment: Not observed at significant frequency in large population cohorts (gnomAD); In silico analysis supports that this missense variant has a deleterious effect on protein structure/function; Has not been previously published as pathogenic or benign to our knowledge